The following is an entry in ClinVar:

ClinVar aggregate classification (germline): Uncertain significance. Review status: criteria provided, multiple submitters, no conflicts (2 of 4 stars). 2 submissions from 2 submitters: Uncertain significance (2). Last evaluated 2024-09-04.

Allele frequency attached by ClinVar (database versions not stated): gnomAD exomes below 0.00001; gnomAD 0.00001.
gnomAD v4.1: 4 of 1,613,550 alleles (0.00025%); highest among the groups gnomAD compares: Non-Finnish European, 0.00017%; no homozygotes.

Submissions (2):

Women's Health and Genetics/Laboratory Corporation of America, LabCorp
Classification: Uncertain significance. Last evaluated: 2024-09-04. Review status: criteria provided, single submitter. Criteria: LabCorp Variant Classification Summary - May 2015. Collection method: clinical testing. Allele origin: germline.
Comment: Variant summary: XPR1 c.526C>T (p.Arg176X) results in a premature termination codon, predicted to cause a truncation of the encoded protein or absence of the protein due to nonsense mediated decay, however current evidence is not sufficient to establish loss of function as a mechanism for disease. The variant was absent in 251224 control chromosomes. The available data on variant occurrences in the general population are insufficient to allow any conclusion about variant significance. To our knowledge, no occurrence of c.526C>T in individuals affected with Basal Ganglia Calcification, Idiopathic, 6 and no experimental evidence demonstrating its impact on protein function have been reported. ClinVar contains an entry for this variant (Variation ID: 1305430). Based on the evidence outlined above, the variant was classified as uncertain significance.

GeneDx
Classification: Uncertain significance. Last evaluated: 2019-05-16. Review status: criteria provided, single submitter. Criteria: GeneDx Variant Classification Process June 2021. Collection method: clinical testing. Allele origin: germline. Affected: yes.
Comment: Nonsense variant predicted to result in protein truncation or nonsense mediated decay in a gene for which loss-of-function is not a known mechanism of disease; Has not been previously published as pathogenic or benign to our knowledge

NM_004736.4(XPR1):c.526C>T (p.Arg176Ter)

Gene: XPR1 (xenotropic and polytropic retrovirus receptor 1; plus strand). Cytogenetic location: 1q25.3.
Variant type: single nucleotide variant.
Coding change: c.526C>T on transcript NM_004736.4 (MANE Select); coding-DNA position 526, C replaced by T.
Protein change: p.Arg176Ter; replaces arginine 176 with a stop codon.
Molecular consequence: nonsense. On other transcripts: non-coding transcript variant (1).
Genome position (GRCh38, 1-based): chr1:180,806,140, C>T. VCF-style: chr1-180806140-C-T. GRCh37 (hg19) VCF-style: chr1-180775276-C-T.
Other names: c.526C>T, p.Arg176Ter (NM_001135669.2, NM_001328662.2); short protein forms R176*.
Identifiers: ClinVar variation 1305430 (VCV001305430.3), dbSNP rs1394325370, ClinGen allele CA343843568.
Genomic context (GRCh38, chr1:180,806,140, plus strand): 5'-TTTCGAAAAATCCTGAAAAAGCATGACAAGATCCTGGAAACATCTCGTGGAGCAGATTGG[C>T]GAGTGGCTCACGTAGAGGTGGCCCCATTTTATACATGCAAGAAAATCAACCAGCTTATCT-3'